The following is an entry in ClinVar:

NM_014855.3(AP5Z1):c.2115G>A (p.Leu705=)

Gene: AP5Z1 (adaptor related protein complex 5 subunit zeta 1; plus strand). Cytogenetic location: 7p22.1.
Variant type: single nucleotide variant.
Coding change: c.2115G>A on transcript NM_014855.3 (MANE Select); coding-DNA position 2115, G replaced by A.
Protein change: p.Leu705=; no amino-acid change (leucine 705 retained).
Molecular consequence: synonymous variant. On other transcripts: non-coding transcript variant (1).
Genome position (GRCh38, 1-based): chr7:4,790,849, G>A. VCF-style: chr7-4790849-G-A. GRCh37 (hg19) VCF-style: chr7-4830480-G-A.
Other names: c.1647G>A, p.Leu549= (NM_001364858.1).
Identifiers: ClinVar variation 3571956 (VCV003571956.1).

ClinVar aggregate classification (germline): Uncertain significance (1 of 4 stars; one submission).

Submission:

Athena Diagnostics
Classification: Uncertain significance. Last evaluated: 2024-08-26. Review status: criteria provided, single submitter. Criteria: Athena Diagnostics Criteria. Collection method: clinical testing. Allele origin: unknown.
Comment: Available data are insufficient to determine the clinical significance of the variant at this time. The frequency of this variant in the general population is uninformative in assessment of its pathogenicity. Computational tools yielded predictions that this variant is unlikely to have an effect on normal RNA splicing.